The following is an entry in ClinVar:

NM_032444.4(SLX4):c.4088C>A (p.Ser1363Ter)

Gene: SLX4 (SLX4 structure-specific endonuclease subunit; minus strand). Cytogenetic location: 16p13.3.
Variant type: single nucleotide variant.
Coding change: c.4088C>A on transcript NM_032444.4 (MANE Select); coding-DNA position 4088, C replaced by A.
Protein change: p.Ser1363Ter; replaces serine 1363 with a stop codon.
Molecular consequence: nonsense.
Genome position (GRCh38, 1-based): chr16:3,589,550, G>T on the plus strand (C>A on the coding strand, the complement: SLX4 is on the minus strand). VCF-style: chr16-3589550-G-T. GRCh37 (hg19) VCF-style: chr16-3639551-G-T.
Other names: short protein forms S1363*.
Identifiers: ClinVar variation 803196 (VCV000803196.7), dbSNP rs1596520443, ClinGen allele CA394518450.
Genomic context (GRCh38, chr16:3,589,550, plus strand): 5'-AAGCTTGGCCCAGGCGGCGAGTGTTTCAGGAACCGCCTGCTGAAGTGGGCGCGGTCCCCT[G>T]AGATGGGATGTGGAGCCAGCGGAGAGGAGTGCGGGTGGCCCCCGGGGTGGGGACGGGAAG-3'

ClinVar aggregate classification (germline): Pathogenic/Likely pathogenic. Review status: criteria provided, multiple submitters, no conflicts (2 of 4 stars). 3 submissions from 3 submitters: Pathogenic (1); Likely pathogenic (2). Last evaluated 2022-11-03.

Conditions:
Fanconi anemia complementation group A (FANCA). Also called: Fanconi anemia, group A; FANCA-Related Fanconi Anemia. Identifiers: Orphanet 84, MedGen C3469521, MONDO:0009215, OMIM 227650.
Fanconi anemia complementation group P. Also called: SLX4-Related Fanconi Anemia. Identifiers: Orphanet 84, MedGen C3469542, MONDO:0013499, OMIM 613951.
Fanconi anemia (FA). Also called: Fanconi's anemia. Identifiers: Orphanet 84, MedGen C0015625, MeSH D005199, MONDO:0019391.

Allele frequency attached by ClinVar (database versions not stated): gnomAD exomes below 0.00001.
gnomAD v4.1: 1 of 1,611,936 alleles (0.000062%); highest among the groups gnomAD compares: Non-Finnish European, 0.000085%; no homozygotes.

Submissions (3):

Dasa
Classification: Likely pathogenic for Fanconi anemia complementation group P. Last evaluated: 2022-11-03. Review status: criteria provided, single submitter. Criteria: ACMG Guidelines, 2015. Collection method: clinical testing. Allele origin: germline. Affected: no. Observed: 1 variant allele.
Comment: The c.4088C>A;p.(Ser1363*) variant creates a premature translational stop signal in the SLX4 gene. It is expected to result in an absent or disrupted protein product - PVS1.This variant is not present in population databases (rs1596520443, gnomAD; ABraOM no frequency) - PM2. In summary, the currently available evidence indicates that the variant is likely pathogenic.

Labcorp Genetics (formerly Invitae), Labcorp
Classification: Pathogenic for Fanconi anemia. Last evaluated: 2022-05-29. Review status: criteria provided, single submitter. Criteria: Invitae Variant Classification Sherloc (09022015). Collection method: clinical testing. Allele origin: germline.
Comment: This sequence change creates a premature translational stop signal (p.Ser1363*) in the SLX4 gene. It is expected to result in an absent or disrupted protein product. Loss-of-function variants in SLX4 are known to be pathogenic (PMID: 21240277). This variant is not present in population databases (gnomAD no frequency). This variant has not been reported in the literature in individuals affected with SLX4-related conditions. ClinVar contains an entry for this variant (Variation ID: 803196). For these reasons, this variant has been classified as Pathogenic.

Mendelics
Classification: Likely pathogenic for Fanconi anemia complementation group A. Last evaluated: 2019-05-28. Review status: criteria provided, single submitter. Criteria: Mendelics Assertion Criteria 2017. Collection method: clinical testing. Allele origin: unknown.

Literature cited by the submitters: PubMed 21240277 (cited by Labcorp Genetics (formerly Invitae), Labcorp).